The following is an entry in ClinVar:

NM_001375808.2(LPIN2):c.1332A>G (p.Pro444=)

Gene: LPIN2 (lipin 2; minus strand). Cytogenetic location: 18p11.31.
Variant type: single nucleotide variant.
Coding change: c.1332A>G on transcript NM_001375808.2 (MANE Select); coding-DNA position 1332, A replaced by G.
Protein change: p.Pro444=; no amino-acid change (proline 444 retained).
Molecular consequence: synonymous variant.
Genome position (GRCh38, 1-based): chr18:2,931,380, T>C on the plus strand (A>G on the coding strand, the complement: LPIN2 is on the minus strand). VCF-style: chr18-2931380-T-C. GRCh37 (hg19) VCF-style: chr18-2931378-T-C.
Other names: c.1332A>G, p.Pro444= (NM_001375809.1, NM_014646.2).
Identifiers: ClinVar variation 1093052 (VCV001093052.39), dbSNP rs1297660489, ClinGen allele CA502682632.

ClinVar aggregate classification (germline): Likely benign. Review status: criteria provided, multiple submitters, no conflicts (2 of 4 stars). 3 submissions from 3 submitters: Likely benign (3). Last evaluated 2025-11-19.

Conditions:
Majeed syndrome (MJDS). Also called: CHRONIC RECURRENT MULTIFOCAL OSTEOMYELITIS 1, WITH CONGENITAL DYSERYTHROPOIETIC ANEMIA, WITH OR WITHOUT NEUTROPHILIC DERMATOSIS; LPIN2-Related Majeed Syndrome. Identifiers: Orphanet 77297, MedGen C1864997, MONDO:0012316, OMIM 609628.

Allele frequency attached by ClinVar (database versions not stated): TOPMed below 0.00001; gnomAD 0.00001; gnomAD exomes 0.00001.
gnomAD v4.1: 9 of 1,611,908 alleles (0.00056%); highest among the groups gnomAD compares: Middle Eastern, 0.016%; no homozygotes.

Submissions (3):

Labcorp Genetics (formerly Invitae), Labcorp
Classification: Likely benign for Majeed syndrome. Last evaluated: 2025-11-19. Review status: criteria provided, single submitter. Criteria: Invitae Variant Classification Sherloc (09022015). Collection method: clinical testing. Allele origin: germline.

Blueprint Genetics
Classification: Likely benign. Last evaluated: 2024-09-11. Review status: criteria provided, single submitter. Criteria: ACMG Guidelines, 2015. Collection method: clinical testing. Allele origin: germline.

CeGaT Center for Human Genetics Tuebingen
Classification: Likely benign. Last evaluated: 2022-07-01. Review status: criteria provided, single submitter. Criteria: CeGaT Center For Human Genetics Tuebingen Variant Classification Criteria Version 2. Collection method: clinical testing. Allele origin: germline. Affected: yes. Observed: 1 variant allele.
Comment: LPIN2: BP4, BP7